The following is an entry in ClinVar:

NM_006231.4(POLE):c.6657+16C>T

Gene: POLE (DNA polymerase epsilon, catalytic subunit; minus strand). Cytogenetic location: 12q24.33.
Variant type: single nucleotide variant.
Coding change: c.6657+16C>T on transcript NM_006231.4 (MANE Select); 16 bases into the intron after coding-DNA position 6657, C replaced by T.
Molecular consequence: intron variant.
Genome position (GRCh38, 1-based): chr12:132,625,629, G>A on the plus strand (C>T on the coding strand, the complement: POLE is on the minus strand). VCF-style: chr12-132625629-G-A. GRCh37 (hg19) VCF-style: chr12-133202215-G-A.
Identifiers: ClinVar variation 371835 (VCV000371835.39), dbSNP rs5745075, ClinGen allele CA6892110.

ClinVar aggregate classification (germline): Benign. Review status: criteria provided, multiple submitters, no conflicts (2 of 4 stars). 14 submissions from 13 submitters: Benign (11). 3 of the submissions do not count toward it. Last evaluated 2026-02-04.

Conditions:
Facial dysmorphism-immunodeficiency-livedo-short stature syndrome. Also called: Facial dysmorphism, immunodeficiency, livedo, and short stature; FILS syndrome. Identifiers: Orphanet 352712, MedGen C3554576, MONDO:0014058, OMIM 615139.
Colorectal cancer, susceptibility to, 12 (CRCS12). Also called: COLORECTAL CANCER, SUSCEPTIBILITY TO, ON CHROMOSOME 12q24. Identifiers: Orphanet 220460, MedGen C3554460, MONDO:0014038, OMIM 615083.
Intrauterine growth retardation, metaphyseal dysplasia, adrenal hypoplasia congenita, genital anomalies, and immunodeficiency. Also called: IMAGEI SYNDROME. Identifiers: MedGen C5193036, MONDO:0032684, OMIM 618336.

Allele frequency attached by ClinVar (database versions not stated): ESP Exome Variant Server 0.32031; gnomAD exomes 0.32556 and 0.37633; gnomAD 0.34836 and 0.35335; TOPMed 0.35610; ExAC 0.37032; 1000 Genomes Project 0.42332; 1000 Genomes Project 30x 0.42723.
gnomAD v4.1: 528,753 of 1,611,794 alleles (33%); highest among the groups gnomAD compares: East Asian, 69%; 91,794 homozygotes.

Submissions (14):

Labcorp Genetics (formerly Invitae), Labcorp
Classification: Benign. Last evaluated: 2026-02-04. Review status: criteria provided, single submitter. Criteria: Invitae Variant Classification Sherloc (09022015). Collection method: clinical testing. Allele origin: germline.

ARUP Laboratories, Molecular Genetics and Genomics, ARUP Laboratories
Classification: Benign. Last evaluated: 2025-07-30. Review status: criteria provided, single submitter. Criteria: ARUP Molecular Germline Variant Investigation Process 2024. Collection method: clinical testing. Allele origin: germline.

Blueprint Genetics
Classification: Benign. Last evaluated: 2024-11-27. Review status: criteria provided, single submitter. Criteria: ACMG Guidelines, 2015. Collection method: clinical testing. Allele origin: germline.

KCCC/NGS Laboratory, Kuwait Cancer Control Center
Classification: Benign for Colorectal cancer, susceptibility to, 12. Last evaluated: 2023-07-07. Review status: criteria provided, single submitter. Criteria: ACMG Guidelines, 2015. Collection method: clinical testing. Allele origin: germline. Affected: yes.

Genome-Nilou Lab
Classification: Benign for Facial dysmorphism-immunodeficiency-livedo-short stature syndrome. Last evaluated: 2021-10-25. Review status: criteria provided, single submitter. Criteria: ACMG Guidelines, 2015. Collection method: clinical testing. Allele origin: germline. Affected: no.

Genome-Nilou Lab
Classification: Benign for Intrauterine growth retardation, metaphyseal dysplasia, adrenal hypoplasia congenita, genital anomalies, and immunodeficiency. Last evaluated: 2021-10-25. Review status: criteria provided, single submitter. Criteria: ACMG Guidelines, 2015. Collection method: clinical testing. Allele origin: germline. Affected: no.

PreventionGenetics, part of Exact Sciences
Classification: Benign. Last evaluated: 2016-10-03. Review status: criteria provided, single submitter. Criteria: ACMG Guidelines, 2015. Collection method: clinical testing. Allele origin: germline.

Women's Health and Genetics/Laboratory Corporation of America, LabCorp
Classification: Benign. Last evaluated: 2016-05-19. Review status: criteria provided, single submitter. Criteria: LabCorp Variant Classification Summary - May 2015. Collection method: clinical testing. Allele origin: germline.
Comment: Variant summary: The POLE c.6657+16C>T variant involves the alteration of a non-conserved nucleotide, resulting in a synonymous change. One in silico tool predicts a benign outcome for this variant, and 5/5 Alamut algorithms predict no significant change to splicing. This variant was found in 44723/120770 control chromosomes (9098 homozygotes) at a frequency of 0.3703155, which is approximately 26070 times the estimated maximal expected allele frequency of a pathogenic POLE variant (0.0000142), highly suggesting this variant is a benign polymorphism. The variant of interest has not, to our knowledge, been reported in affected individuals via publications and/or reputable databases/clinical diagnostic laboratories; nor evaluated for functional impact by in vivo/vitro studies. Taken together, this variant is classified as Benign.

Laboratory for Molecular Medicine, Mass General Brigham Personalized Medicine
Classification: Benign. Last evaluated: 2016-03-29. Review status: criteria provided, single submitter. Criteria: LMM Criteria. Collection method: clinical testing. Allele origin: germline.
Comment: Variant identified in a genome or exome case(s) and assessed due to predicted null impact of the variant or pathogenic assertions in the literature or databases. Disclaimer: This variant has not undergone full assessment. The following are preliminary notes: Frequency

GeneDx
Classification: Benign. Last evaluated: 2015-11-03. Review status: criteria provided, single submitter. Criteria: GeneDx Variant Classification (06012015). Collection method: clinical testing. Allele origin: germline. Affected: yes.
Comment: This variant is considered likely benign or benign based on one or more of the following criteria: it is a conservative change, it occurs at a poorly conserved position in the protein, it is predicted to be benign by multiple in silico algorithms, and/or has population frequency not consistent with disease.

Breakthrough Genomics
Classification: Benign. Review status: criteria provided, single submitter. Criteria: ACMG Guidelines, 2015. Collection method: not provided. Allele origin: germline. Inheritance: Autosomal recessive inheritance. Affected: yes.

Counsyl
Classification: Benign for Colorectal cancer, susceptibility to, 12. Last evaluated: 2016-04-14. Review status: no assertion criteria provided. Collection method: clinical testing. Allele origin: unknown. Not counted in ClinVar's aggregate classification.

Clinical Genetics, Academic Medical Center
Classification: Benign. Review status: no assertion criteria provided. Collection method: clinical testing. Allele origin: germline. Affected: yes. Study: VKGL Data-share Consensus. Not counted in ClinVar's aggregate classification.

Joint Genome Diagnostic Labs from Nijmegen and Maastricht, Radboudumc and MUMC+
Classification: Benign. Review status: no assertion criteria provided. Collection method: clinical testing. Allele origin: germline. Affected: yes. Study: VKGL Data-share Consensus. Not counted in ClinVar's aggregate classification.